The following is an entry in ClinVar:

ClinVar aggregate classification (germline): Conflicting classifications of pathogenicity. Review status: criteria provided, conflicting classifications (1 of 4 stars). 6 submissions from 6 submitters: Pathogenic (2); Likely pathogenic (2); Uncertain significance (2). Last evaluated 2024-10-30.

Conditions:
Plasma factor XI deficiency.
Hereditary factor XI deficiency disease. Also called: PLASMA THROMBOPLASTIN ANTECEDENT DEFICIENCY; PTA DEFICIENCY; ROSENTHAL SYNDROME; Congenital factor XI deficiency. Identifiers: Orphanet 329, MedGen C0015523, MeSH D005173, MONDO:0012897, OMIM 612416.
F11-related disorders.

Allele frequency attached by ClinVar (database versions not stated): gnomAD exomes below 0.00001 and 0.00001; ExAC 0.00001; gnomAD 0.00001; TOPMed 0.00001; ESP Exome Variant Server 0.00008.
gnomAD v4.1: 21 of 1,614,014 alleles (0.0013%); highest among the groups gnomAD compares: Non-Finnish European, 0.0017%; no homozygotes.

Submissions (6):

Blueprint Genetics
Classification: Likely pathogenic for F11-related disorders. Last evaluated: 2024-10-30. Review status: criteria provided, single submitter. Criteria: ACMG Guidelines, 2015. Collection method: clinical testing. Allele origin: germline. Affected: yes. Observed: 2 variant alleles.

Natera, Inc.
Classification: Likely pathogenic for Plasma factor XI deficiency. Last evaluated: 2024-10-30. Review status: criteria provided, single submitter. Criteria: Natera Variant Classification Schema (03/2026). Collection method: clinical testing. Allele origin: germline.
Comment: The c.365G>A variant in F11 is a missense variant predicted to cause substitution of glycine to aspartic acid at amino acid 122. This variant is rare in the general population with a frequency below the threshold expected for the associated phenotype(s). This variant has been observed in one or more individuals affected with the associated recessive disease, as either homozygous or compound heterozygous with a second variant (PMID: 18446632). This variant has been observed in affected individual(s) with monoallelic occurrence (heterozygous/hemizygous) (PMID: 12716376, 15613027). Computational prediction algorithms indicate this variant is likely to affect gene or protein function. Given the available evidence, this variant is classified as Likely Pathogenic.

Women's Health and Genetics/Laboratory Corporation of America, LabCorp
Classification: Uncertain significance. Last evaluated: 2023-08-07. Review status: criteria provided, single submitter. Criteria: LabCorp Variant Classification Summary - May 2015. Collection method: clinical testing. Allele origin: germline.
Comment: Variant summary: F11 c.365G>A (p.Gly122Asp) results in a non-conservative amino acid change located in the Apple domain (IPR000177) of the encoded protein sequence. Four of five in-silico tools predict a damaging effect of the variant on protein function. The variant allele was found at a frequency of 4e-06 in 251268 control chromosomes (gnomAD). The available data on variant occurrences in the general population are insufficient to allow any conclusion about variant significance. c.365G>A has been reported in the literature in individuals affected with Hereditary factor XI deficiency disease (Mitchell_2003, Dai_2004, Mitchell_2006, Duncan_2008, Downes_2019). These data do not allow any conclusion about variant significance. To our knowledge, no experimental evidence demonstrating an impact on protein function has been reported. The following publications have been ascertained in the context of this evaluation (PMID: 15613027, 31064749, 18446632, 35059554, 12716376, 16835901, 15634276). Two submitters have cited clinical-significance assessments for this variant to ClinVar after 2014. One submitter classified the variant as pathogenic, and one submitter classified the variant as uncertain significance. Based on the evidence outlined above, the variant was classified as uncertain significance.

Labcorp Genetics (formerly Invitae), Labcorp
Classification: Pathogenic. Last evaluated: 2023-07-08. Review status: criteria provided, single submitter. Criteria: Invitae Variant Classification Sherloc (09022015). Collection method: clinical testing. Allele origin: germline.
Comment: This sequence change replaces glycine, which is neutral and non-polar, with aspartic acid, which is acidic and polar, at codon 122 of the F11 protein (p.Gly122Asp). For these reasons, this variant has been classified as Pathogenic. Advanced modeling of protein sequence and biophysical properties (such as structural, functional, and spatial information, amino acid conservation, physicochemical variation, residue mobility, and thermodynamic stability) performed at Invitae indicates that this missense variant is expected to disrupt F11 protein function. ClinVar contains an entry for this variant (Variation ID: 627202). This variant is also known as p.Gly104Asp. This missense change has been observed in individuals with autosomal dominant factor XI deficiency (PMID: 12716376, 19652879). This variant has been reported in individual(s) with autosomal recessive factor XI deficiency (PMID: 18446632); however, the role of the variant in this condition is currently unclear. This variant is present in population databases (rs369650561, gnomAD 0.002%).

Myriad Genetics, Inc.
Classification: Uncertain significance for Hereditary factor XI deficiency disease. Last evaluated: 2021-11-10. Review status: criteria provided, single submitter. Criteria: Myriad Women's Health Autosomal Recessive and X-Linked Classification Criteria (2021). Collection method: clinical testing. Allele origin: unknown.
Comment: NM_000128.3(F11):c.365G>A(G122D) is a missense variant classified as a variant of uncertain significance in the context of factor XI deficiency. G122D has been observed in cases with relevant disease (PMID: 16835901, 18446632). Functional assessments of this variant are not available in the literature. G122D has been observed in population frequency databases (gnomAD: NFE 0.01%). In summary, there is insufficient evidence to classify NM_000128.3(F11):c.365G>A(G122D) as pathogenic or benign. Please note: this variant was assessed in the context of healthy population screening.

NIHR Bioresource Rare Diseases, University of Cambridge
Classification: Pathogenic for Hereditary factor XI deficiency disease. Last evaluated: 2019-02-01. Review status: criteria provided, single submitter. Criteria: ACMG Guidelines, 2015. Collection method: research. Allele origin: unknown. Affected: yes. Observed: 1 heterozygote. Study: ThromboGenomics.

Literature cited by the submitters: PubMed 18446632 (cited by 4 submitters); PubMed 12716376 (cited by 3 submitters); PubMed 15613027 (cited by Natera, Inc. and Women's Health and Genetics/Laboratory Corporation of America, LabCorp); PubMed 31064749 (cited by Women's Health and Genetics/Laboratory Corporation of America, LabCorp and NIHR Bioresource Rare Diseases, University of Cambridge); PubMed 16835901 (cited by Women's Health and Genetics/Laboratory Corporation of America, LabCorp and Myriad Genetics, Inc.); PubMed 35059554 (cited by Women's Health and Genetics/Laboratory Corporation of America, LabCorp); PubMed 15634276 (cited by Women's Health and Genetics/Laboratory Corporation of America, LabCorp); PubMed 19652879 (cited by Labcorp Genetics (formerly Invitae), Labcorp).

NM_000128.4(F11):c.365G>A (p.Gly122Asp)

Gene: F11 (coagulation factor XI; plus strand). Cytogenetic location: 4q35.2.
Variant type: single nucleotide variant.
Coding change: c.365G>A on transcript NM_000128.4 (MANE Select); coding-DNA position 365, G replaced by A.
Protein change: p.Gly122Asp; replaces glycine 122 with aspartic acid.
Molecular consequence: missense variant.
Genome position (GRCh38, 1-based): chr4:186,274,155, G>A. VCF-style: chr4-186274155-G-A. GRCh37 (hg19) VCF-style: chr4-187195309-G-A.
Other names: c.365G>A, p.Gly122Asp (NM_001354804.2); short protein forms G122D.
Identifiers: ClinVar variation 627202 (VCV000627202.12), dbSNP rs369650561, ClinGen allele CA3163644.